The following is an entry in ClinVar:

NM_003628.6(PKP4):c.1849C>A (p.Pro617Thr)

Gene: PKP4 (plakophilin 4; plus strand). Cytogenetic location: 2q24.1.
Variant type: single nucleotide variant.
Coding change: c.1849C>A on transcript NM_003628.6 (MANE Select); coding-DNA position 1849, C replaced by A.
Protein change: p.Pro617Thr; replaces proline 617 with threonine.
Molecular consequence: missense variant.
Genome position (GRCh38, 1-based): chr2:158,642,639, C>A. VCF-style: chr2-158642639-C-A. GRCh37 (hg19) VCF-style: chr2-159499151-C-A.
Other names: c.1849C>A, p.Pro617Thr (NM_001005476.4, NM_001304971.2, NM_001377218.1 and 1 more transcripts); c.1846C>A, p.Pro616Thr (NM_001304969.3, NM_001377219.1, NM_001377220.1 and 2 more transcripts); c.820C>A, p.Pro274Thr (NM_001304970.3); c.1843C>A, p.Pro615Thr (NM_001377222.1, NM_001377223.1); c.1840C>A, p.Pro614Thr (NM_001377224.1); short protein forms P274T, P617T, P614T, P615T, P616T.
Identifiers: ClinVar variation 4138150 (VCV004138150.1).

ClinVar aggregate classification (germline): Uncertain significance (1 of 4 stars; one submission).

Submission:

Ambry Genetics
Classification: Uncertain significance. Last evaluated: 2025-07-09. Review status: criteria provided, single submitter. Criteria: Ambry Variant Classification Scheme 2023. Collection method: clinical testing. Allele origin: germline.
Comment: The p.P617T variant (also known as c.1849C>A), located in coding exon 10 of the PKP4 gene, results from a C to A substitution at nucleotide position 1849. The proline at codon 617 is replaced by threonine, an amino acid with highly similar properties. This amino acid position is conserved. In addition, this alteration is predicted to be deleterious by in silico analysis. Based on the available evidence, the clinical significance of this variant remains unclear.